The following is an entry in ClinVar:

NM_004863.4(SPTLC2):c.1287G>A (p.Gln429=)

Gene: SPTLC2 (serine palmitoyltransferase long chain base subunit 2; minus strand). Cytogenetic location: 14q24.3.
Variant type: single nucleotide variant.
Coding change: c.1287G>A on transcript NM_004863.4 (MANE Select); coding-DNA position 1287, G replaced by A.
Protein change: p.Gln429=; no amino-acid change (glutamine 429 retained).
Molecular consequence: synonymous variant.
Genome position (GRCh38, 1-based): chr14:77,552,112, C>T on the plus strand (G>A on the coding strand, the complement: SPTLC2 is on the minus strand). VCF-style: chr14-77552112-C-T. GRCh37 (hg19) VCF-style: chr14-78018455-C-T.
Identifiers: ClinVar variation 4823571 (VCV004823571.4).

ClinVar aggregate classification (germline): Likely benign (1 of 4 stars; one submission).

Submission:

CeGaT Center for Human Genetics Tuebingen
Classification: Likely benign. Last evaluated: 2026-03-01. Review status: criteria provided, single submitter. Criteria: CeGaT Center For Human Genetics Tuebingen Variant Classification Criteria Version 2. Collection method: clinical testing. Allele origin: germline. Affected: yes. Observed: 1 variant allele.
Comment: SPTLC2: PM2:Supporting, BP4, BP7